The following is an entry in ClinVar:

NM_203447.4(DOCK8):c.1422+182T>G

Gene: DOCK8 (dedicator of cytokinesis 8; plus strand). Cytogenetic location: 9p24.3.
Variant type: single nucleotide variant.
Coding change: c.1422+182T>G on transcript NM_203447.4 (MANE Select); 182 bases into the intron after coding-DNA position 1422, T replaced by G.
Molecular consequence: intron variant.
Genome position (GRCh38, 1-based): chr9:336,900, T>G. VCF-style: chr9-336900-T-G. GRCh37 (hg19) VCF-style: chr9-336900-T-G.
Other names: c.1218+182T>G (NM_001193536.2, NM_001190458.2).
Identifiers: ClinVar variation 676817 (VCV000676817.2), dbSNP rs11791613, ClinGen allele CA13120531.
Genomic context (GRCh38, chr9:336,900, plus strand): 5'-CATTTTCTGCTGCTTATAATAGAGTATCTGAAACTGGGTAATTTAAAAAGAAAAGGGATT[T>G]GTTTCTTTCAGTTTTGAAGGCTGAAAAATCCAAAGTTGAGGGCCCACCCTTGGTGAGGGC-3'

ClinVar aggregate classification (germline): Benign. Review status: criteria provided, multiple submitters, no conflicts (2 of 4 stars). 2 submissions from 2 submitters: Benign (2). Last evaluated 2018-06-16.

Allele frequency attached by ClinVar (database versions not stated): gnomAD 0.09089 and 0.09447; TOPMed 0.10063; 1000 Genomes Project 0.10164; 1000 Genomes Project 30x 0.10915.
gnomAD v4.1: 13,729 of 152,176 alleles (9%); highest among the groups gnomAD compares: African/African-American, 22%; 1,156 homozygotes.

Submissions (2):

GeneDx
Classification: Benign. Last evaluated: 2018-06-16. Review status: criteria provided, single submitter. Criteria: GeneDx Variant Classification (06012015). Collection method: clinical testing. Allele origin: germline. Affected: yes.
Comment: This variant is considered likely benign or benign based on one or more of the following criteria: it is a conservative change, it occurs at a poorly conserved position in the protein, it is predicted to be benign by multiple in silico algorithms, and/or has population frequency not consistent with disease.

Breakthrough Genomics
Classification: Benign. Review status: criteria provided, single submitter. Criteria: ACMG Guidelines, 2015. Collection method: not provided. Allele origin: germline. Inheritance: Autosomal recessive inheritance. Affected: yes.